The following is an entry in ClinVar:

NM_006996.3(SLC19A2):c.1014C>G (p.Ala338=)

Gene: SLC19A2 (solute carrier family 19 member 2; minus strand). Cytogenetic location: 1q24.2.
Variant type: single nucleotide variant.
Coding change: c.1014C>G on transcript NM_006996.3 (MANE Select); coding-DNA position 1014, C replaced by G.
Protein change: p.Ala338=; no amino-acid change (alanine 338 retained).
Molecular consequence: synonymous variant.
Genome position (GRCh38, 1-based): chr1:169,469,980, G>C on the plus strand (C>G on the coding strand, the complement: SLC19A2 is on the minus strand). VCF-style: chr1-169469980-G-C. GRCh37 (hg19) VCF-style: chr1-169439218-G-C.
Other names: c.411C>G, p.Ala137= (NM_001319667.1).
Identifiers: ClinVar variation 510741 (VCV000510741.16), dbSNP rs143780369, ClinGen allele CA1232954.

ClinVar aggregate classification (germline): Conflicting classifications of pathogenicity. Review status: criteria provided, conflicting classifications (1 of 4 stars). 5 submissions from 5 submitters: Uncertain significance (1); Likely benign (4). Last evaluated 2026-05-04.

Conditions:
SLC19A2-related disorder. Also called: SLC19A2-related condition.
Megaloblastic anemia, thiamine-responsive, with diabetes mellitus and sensorineural deafness (TRMA). Also called: THIAMINE METABOLISM DYSFUNCTION SYNDROME 1 (MEGALOBLASTIC ANEMIA, DIABETES MELLITUS, AND DEAFNESS TYPE); THIAMINE-RESPONSIVE ANEMIA SYNDROME; THIAMINE-RESPONSIVE MYELODYSPLASIA; Thiamine-Responsive Megaloblastic Anemia Syndrome; ROGERS SYNDROME. Identifiers: Orphanet 49827, MedGen C0342287, MONDO:0009575, OMIM 249270.

Allele frequency attached by ClinVar (database versions not stated): TOPMed 0.00095; 1000 Genomes Project 30x 0.00016; 1000 Genomes Project 0.00020; ESP Exome Variant Server 0.00077; gnomAD 0.00086.

Submissions (5):

PreventionGenetics, part of Exact Sciences
Classification: Likely benign for SLC19A2-related condition. Last evaluated: 2026-05-04. Review status: criteria provided, single submitter. Criteria: ACMG Guidelines, 2015. Collection method: clinical testing. Allele origin: germline.
Comment: This variant is classified as likely benign based on ACMG/AMP sequence variant interpretation guidelines (Richards et al. 2015 PMID: 25741868, with internal and published modifications).

Labcorp Genetics (formerly Invitae), Labcorp
Classification: Likely benign. Last evaluated: 2026-01-28. Review status: criteria provided, single submitter. Criteria: Invitae Variant Classification Sherloc (09022015). Collection method: clinical testing. Allele origin: germline.

Blueprint Genetics
Classification: Likely benign. Last evaluated: 2024-07-08. Review status: criteria provided, single submitter. Criteria: ACMG Guidelines, 2015. Collection method: clinical testing. Allele origin: germline.

GeneDx
Classification: Likely benign. Last evaluated: 2020-06-03. Review status: criteria provided, single submitter. Criteria: GeneDx Variant Classification Process June 2021. Collection method: clinical testing. Allele origin: germline. Affected: yes.

Illumina Laboratory Services, Illumina
Classification: Uncertain significance for Megaloblastic anemia, thiamine-responsive, with diabetes mellitus and sensorineural deafness. Last evaluated: 2018-01-12. Review status: criteria provided, single submitter. Criteria: ICSL Variant Classification Criteria 13 December 2019. Collection method: clinical testing. Allele origin: germline.